The following is an entry in ClinVar:

NM_004064.5(CDKN1B):c.448G>T (p.Gly150Ter)

Gene: CDKN1B (cyclin dependent kinase inhibitor 1B; plus strand). Cytogenetic location: 12p13.1.
Variant type: single nucleotide variant.
Coding change: c.448G>T on transcript NM_004064.5 (MANE Select); coding-DNA position 448, G replaced by T.
Protein change: p.Gly150Ter; replaces glycine 150 with a stop codon.
Molecular consequence: nonsense.
Genome position (GRCh38, 1-based): chr12:12,718,287, G>T. VCF-style: chr12-12718287-G-T. GRCh37 (hg19) VCF-style: chr12-12871221-G-T.
Other names: short protein forms G150*.
Identifiers: ClinVar variation 2861033 (VCV002861033.3), dbSNP rs1592281257, ClinGen allele CA383970843.
Genomic context (GRCh38, chr12:12,718,287, plus strand): 5'-TTGGTGGACCCAAAGACTGATCCGTCGGACAGCCAGACGGGGTTAGCGGAGCAATGCGCA[G>T]GAATAAGGAAGCGACCTGCAACCGACGGTAATGACCCTTTCCCAACCATAGAATGTGTTT-3'

ClinVar aggregate classification (germline): Pathogenic (1 of 4 stars; one submission).

Conditions:
Multiple endocrine neoplasia type 4. Also called: MULTIPLE ENDOCRINE NEOPLASIA, TYPE IV. Identifiers: Orphanet 276152, MedGen C1970712, MONDO:0012552, OMIM 610755.

Submission:

Labcorp Genetics (formerly Invitae), Labcorp
Classification: Pathogenic for Multiple endocrine neoplasia type 4. Last evaluated: 2023-05-01. Review status: criteria provided, single submitter. Criteria: Invitae Variant Classification Sherloc (09022015). Collection method: clinical testing. Allele origin: germline.
Comment: This variant is not present in population databases (gnomAD no frequency). This variant has not been reported in the literature in individuals affected with CDKN1B-related conditions. For these reasons, this variant has been classified as Pathogenic. This sequence change creates a premature translational stop signal (p.Gly150*) in the CDKN1B gene. It is expected to result in an absent or disrupted protein product. Loss-of-function variants in CDKN1B are known to be pathogenic (PMID: 17030811, 24819502).

Literature cited by the submitters: PubMed 17030811; PubMed 24819502.